The following is an entry in ClinVar:

NM_032436.4(CHAMP1):c.449C>T (p.Pro150Leu)

Gene: CHAMP1 (chromosome alignment maintaining phosphoprotein 1; plus strand). Cytogenetic location: 13q34.
Variant type: single nucleotide variant.
Coding change: c.449C>T on transcript NM_032436.4 (MANE Select); coding-DNA position 449, C replaced by T.
Protein change: p.Pro150Leu; replaces proline 150 with leucine.
Molecular consequence: missense variant.
Genome position (GRCh38, 1-based): chr13:114,324,291, C>T. VCF-style: chr13-114324291-C-T. GRCh37 (hg19) VCF-style: chr13-115089766-C-T.
Other names: c.449C>T, p.Pro150Leu (NM_001164144.3, NM_001164145.3); short protein forms P150L.
Identifiers: ClinVar variation 3491878 (VCV003491878.2).

ClinVar aggregate classification (germline): Uncertain significance. Review status: criteria provided, multiple submitters, no conflicts (2 of 4 stars). 2 submissions from 2 submitters: Uncertain significance (2). Last evaluated 2025-11-06.

Conditions:
Inborn genetic diseases. Identifiers: MedGen C0950123, MeSH D030342.

Submissions (2):

Women's Health and Genetics/Laboratory Corporation of America, LabCorp
Classification: Uncertain significance. Last evaluated: 2025-11-06. Review status: criteria provided, single submitter. Criteria: LabCorp Variant Classification Summary - May 2015. Collection method: clinical testing. Allele origin: germline.
Comment: Variant summary: CHAMP1 c.449C>T (p.Pro150Leu) results in a non-conservative amino acid change in the encoded protein sequence. Algorithms developed to predict the effect of missense changes on protein structure and function are either unavailable or do not agree on the potential impact of this missense change. The variant was absent in 251430 control chromosomes. The available data on variant occurrences in the general population are insufficient to allow any conclusion about variant significance. To our knowledge, no occurrence of c.449C>T in individuals affected with CHAMP1-related conditions and no experimental evidence demonstrating its impact on protein function have been reported. ClinVar contains an entry for this variant (Variation ID: 3491878). Based on the evidence outlined above, the variant was classified as uncertain significance.

Ambry Genetics
Classification: Uncertain significance for Inborn genetic diseases. Last evaluated: 2024-09-11. Review status: criteria provided, single submitter. Criteria: Ambry Variant Classification Scheme 2023. Collection method: clinical testing. Allele origin: germline.